The following is an entry in ClinVar:

NM_006269.2(RP1):c.6005G>C (p.Gly2002Ala)

Genes: RP1 (RP1 axonemal microtubule associated; plus strand), LOC126860392 (CDK7 strongly-dependent group 2 enhancer GRCh37_chr8:55541319-55542518; plus strand). Cytogenetic location: 8q12.1.
Variant type: single nucleotide variant.
Coding change: c.6005G>C on transcript NM_006269.2 (MANE Select); coding-DNA position 6005, G replaced by C.
Protein change: p.Gly2002Ala; replaces glycine 2002 with alanine.
Molecular consequence: missense variant. On other transcripts: intron variant (1).
Genome position (GRCh38, 1-based): chr8:54,629,887, G>C. VCF-style: chr8-54629887-G-C. GRCh37 (hg19) VCF-style: chr8-55542447-G-C.
Other names: c.787+7599G>C (NM_001375654.1); short protein forms G2002A.
Identifiers: ClinVar variation 1363133 (VCV001363133.8), dbSNP rs771140153, ClinGen allele CA4752162.

ClinVar aggregate classification (germline): Uncertain significance (1 of 4 stars; one submission).

Allele frequency attached by ClinVar (database versions not stated): TOPMed below 0.00001; gnomAD 0.00001; gnomAD exomes 0.00001; ExAC 0.00002.
gnomAD v4.1: 12 of 1,613,668 alleles (0.00074%); highest among the groups gnomAD compares: South Asian, 0.011%; no homozygotes.

Submission:

Labcorp Genetics (formerly Invitae), Labcorp
Classification: Uncertain significance. Last evaluated: 2021-06-22. Review status: criteria provided, single submitter. Criteria: Invitae Variant Classification Sherloc (09022015). Collection method: clinical testing. Allele origin: germline.
Comment: In summary, the available evidence is currently insufficient to determine the role of this variant in disease. Therefore, it has been classified as a Variant of Uncertain Significance. Algorithms developed to predict the effect of missense changes on protein structure and function output the following: SIFT: "Tolerated"; PolyPhen-2: "Benign"; Align-GVGD: "Class C0". The alanine amino acid residue is found in multiple mammalian species, suggesting that this missense change does not adversely affect protein function. These predictions have not been confirmed by published functional studies and their clinical significance is uncertain. This variant has not been reported in the literature in individuals with RP1-related conditions. This variant is present in population databases (rs771140153, ExAC 0.01%). This sequence change replaces glycine with alanine at codon 2002 of the RP1 protein (p.Gly2002Ala). The glycine residue is weakly conserved and there is a small physicochemical difference between glycine and alanine.